The following is an entry in ClinVar:

NM_006231.4(POLE):c.1281C>T (p.Ala427=)

Gene: POLE (DNA polymerase epsilon, catalytic subunit; minus strand). Cytogenetic location: 12q24.33.
Variant type: single nucleotide variant.
Coding change: c.1281C>T on transcript NM_006231.4 (MANE Select); coding-DNA position 1281, C replaced by T.
Protein change: p.Ala427=; no amino-acid change (alanine 427 retained).
Molecular consequence: synonymous variant.
Genome position (GRCh38, 1-based): chr12:132,673,653, G>A on the plus strand (C>T on the coding strand, the complement: POLE is on the minus strand). VCF-style: chr12-132673653-G-A. GRCh37 (hg19) VCF-style: chr12-133250239-G-A.
Identifiers: ClinVar variation 486111 (VCV000486111.23), dbSNP rs371586756, ClinGen allele CA6894017.

ClinVar aggregate classification (germline): Benign/Likely benign. Review status: criteria provided, multiple submitters, no conflicts (2 of 4 stars). 6 submissions from 6 submitters: Benign (1); Likely benign (5). Last evaluated 2025-10-13.

Conditions:
Hereditary cancer-predisposing syndrome. Also called: Tumor predisposition; Hereditary Cancer Syndrome; Neoplastic Syndromes, Hereditary; Hereditary neoplastic syndrome. Identifiers: Orphanet 140162, MedGen C0027672, MeSH D009386, MONDO:0015356.
Colorectal cancer, susceptibility to, 12 (CRCS12). Also called: COLORECTAL CANCER, SUSCEPTIBILITY TO, ON CHROMOSOME 12q24. Identifiers: Orphanet 220460, MedGen C3554460, MONDO:0014038, OMIM 615083.

Allele frequency attached by ClinVar (database versions not stated): ExAC 0.00001; gnomAD exomes 0.00001 and 0.00002; TOPMed 0.00001; gnomAD 0.00003; ESP Exome Variant Server 0.00008.
gnomAD v4.1: 27 of 1,613,848 alleles (0.0017%); highest among the groups gnomAD compares: East Asian, 0.0045%; no homozygotes.

Submissions (6):

Labcorp Genetics (formerly Invitae), Labcorp
Classification: Likely benign. Last evaluated: 2025-10-13. Review status: criteria provided, single submitter. Criteria: Invitae Variant Classification Sherloc (09022015). Collection method: clinical testing. Allele origin: germline.

Center for Genomic Medicine, Rigshospitalet, Copenhagen University Hospital
Classification: Likely benign. Last evaluated: 2025-03-04. Review status: criteria provided, single submitter. Criteria: ACMG Guidelines, 2015. Collection method: clinical testing. Allele origin: germline.

Myriad Genetics, Inc.
Classification: Benign for Colorectal cancer, susceptibility to, 12. Last evaluated: 2025-02-10. Review status: criteria provided, single submitter. Criteria: Myriad Autosomal Dominant, Autosomal Recessive and X-Linked Classification Criteria (2023). Collection method: clinical testing. Allele origin: unknown.
Comment: This variant is considered benign. This variant is a silent/synonymous amino acid change and it is not expected to impact splicing.

Blueprint Genetics
Classification: Likely benign. Last evaluated: 2022-12-26. Review status: criteria provided, single submitter. Criteria: ACMG Guidelines, 2015. Collection method: clinical testing. Allele origin: germline.

GeneDx
Classification: Likely benign. Last evaluated: 2020-03-23. Review status: criteria provided, single submitter. Criteria: GeneDx Variant Classification Process June 2021. Collection method: clinical testing. Allele origin: germline. Affected: yes.

Ambry Genetics
Classification: Likely benign for Hereditary cancer-predisposing syndrome. Last evaluated: 2016-05-26. Review status: criteria provided, single submitter. Criteria: Ambry Variant Classification Scheme 2023. Collection method: clinical testing. Allele origin: germline.